The following is an entry in ClinVar:

ClinVar aggregate classification (germline): Uncertain significance. Review status: criteria provided, multiple submitters, no conflicts (2 of 4 stars). 2 submissions from 2 submitters: Uncertain significance (2). Last evaluated 2024-04-24.

Conditions:
Hereditary cancer-predisposing syndrome. Also called: Hereditary Cancer Syndrome; Neoplastic Syndromes, Hereditary; Tumor predisposition; Hereditary neoplastic syndrome. Identifiers: Orphanet 140162, MedGen C0027672, MeSH D009386, MONDO:0015356.
Ataxia-telangiectasia-like disorder 1 (ATLD1). Identifiers: Orphanet 251347, MedGen C4012790, MONDO:0024557, OMIM 604391.

gnomAD v4.1: 1 of 1,613,820 alleles (0.000062%); highest among the groups gnomAD compares: Non-Finnish European, 0.000085%; no homozygotes.

Submissions (2):

Fulgent Genetics
Classification: Uncertain significance for Ataxia-telangiectasia-like disorder 1. Last evaluated: 2024-04-24. Review status: criteria provided, single submitter. Criteria: ACMG Guidelines, 2015. Collection method: clinical testing. Allele origin: germline.

Ambry Genetics
Classification: Uncertain significance for Hereditary cancer-predisposing syndrome. Last evaluated: 2016-05-10. Review status: criteria provided, single submitter. Criteria: Ambry Variant Classification Scheme 2023. Collection method: clinical testing. Allele origin: germline.
Comment: The p.V367L variant (also known as c.1099G>T) is located in coding exon 10 of the MRE11A gene. The valine at codon 367 is replaced by leucine, an amino acid with highly similar properties. This change occurs in the first base pair of coding exon 10. This variant was not reported in population based cohorts in the following databases: Database of Single Nucleotide Polymorphisms (dbSNP), NHLBI Exome Sequencing Project (ESP), and 1000 Genomes Project. This amino acid position is highly conserved in available vertebrate species. Using the BDGP and ESEfinder splice site prediction tools, this alteration is predicted to weaken the efficiency of the native splice acceptor site; however, direct evidence is unavailable. In addition, this alteration is predicted to be deleterious by in silico analysis. Since supporting evidence is limited at this time, the clinical significance of this alteration remains unclear.

NM_005591.4(MRE11):c.1099G>T (p.Val367Leu)

Gene: MRE11 (MRE11 double strand break repair nuclease; minus strand). Cytogenetic location: 11q21.
Variant type: single nucleotide variant.
Coding change: c.1099G>T on transcript NM_005591.4 (MANE Select); coding-DNA position 1099, G replaced by T.
Protein change: p.Val367Leu; replaces valine 367 with leucine.
Molecular consequence: missense variant.
Genome position (GRCh38, 1-based): chr11:94,464,239, C>A on the plus strand (G>T on the coding strand, the complement: MRE11 is on the minus strand). VCF-style: chr11-94464239-C-A. GRCh37 (hg19) VCF-style: chr11-94197405-C-A.
Other names: c.1099G>T, p.Val367Leu (NM_001330347.2, NM_005590.4); short protein forms V367L.
Identifiers: ClinVar variation 479743 (VCV000479743.6), dbSNP rs1555010974, ClinGen allele CA382373090.